The following is an entry in ClinVar:

ClinVar aggregate classification (germline): Conflicting classifications of pathogenicity. Review status: criteria provided, conflicting classifications (1 of 4 stars). 8 submissions from 8 submitters: Uncertain significance (6); Likely benign (2). Last evaluated 2026-03-30.

Conditions:
Marfan syndrome (MFS). Also called: Marfan syndrome, classic; Marfan syndrome type 1; Marfan's syndrome; MARFAN SYNDROME, TYPE I; FBN1-Related Marfan Syndrome. Identifiers: Orphanet 284963, Orphanet 558, MedGen C0024796, MONDO:0007947, OMIM 154700.
Familial thoracic aortic aneurysm and aortic dissection (TAAD). Also called: Thoracic aortic aneurysms and dissections. Identifiers: Orphanet 91387, MedGen C4707243, MONDO:0019625.

Allele frequency attached by ClinVar (database versions not stated): gnomAD 0.00006 and 0.00007; ESP Exome Variant Server 0.00023; gnomAD exomes 0.00004; TOPMed 0.00007; ExAC 0.00005.
gnomAD v4.1: 72 of 1,613,770 alleles (0.0045%); highest among the groups gnomAD compares: Admixed American, 0.0067%; no homozygotes.

Submissions (8):

Women's Health and Genetics/Laboratory Corporation of America, LabCorp
Classification: Uncertain significance. Last evaluated: 2026-03-30. Review status: criteria provided, single submitter. Criteria: LabCorp Variant Classification Summary - May 2015. Collection method: clinical testing. Allele origin: germline.
Comment: Variant summary: FBN1 c.124G>C (p.Ala42Pro) results in a non-conservative amino acid change in the encoded protein sequence. Algorithms developed to predict the effect of missense changes on protein structure and function are either unavailable or do not agree on the potential impact of this missense change. The variant allele was found at a frequency of 4.5e-05 in 1613770 control chromosomes, predominantly at a frequency of 6.7e-05 within the Latino subpopulation in the gnomAD database. The available data on variant occurrences in the general population are insufficient to allow any conclusion about variant significance, however this variant does have a population frequency approaching the maximum pathogenic allele frequency expected for FBN1-associated aortopathy, suggesting it may be a benign polymorphism. c.124G>C has been observed in at least 1 heterozygous individual(s) affected with Aortopathy (example, Wolford_2019) however a control was also reported therein. Since the penetrance of Aortopathy due to this variant appears to be lower than expected, no conclusions can be drawn from these data. To our knowledge, no experimental evidence demonstrating an impact on protein function has been reported. ClinVar contains an entry for this variant (Variation ID: 406316). Based on the evidence outlined above, the variant was classified as uncertain significance.

Labcorp Genetics (formerly Invitae), Labcorp
Classification: Likely benign for Marfan syndrome; Familial thoracic aortic aneurysm and aortic dissection. Last evaluated: 2026-01-12. Review status: criteria provided, single submitter. Criteria: Invitae Variant Classification Sherloc (09022015). Collection method: clinical testing. Allele origin: germline.

Ambry Genetics
Classification: Uncertain significance for Familial thoracic aortic aneurysm and aortic dissection. Last evaluated: 2025-10-06. Review status: criteria provided, single submitter. Criteria: Ambry Variant Classification Scheme 2023. Collection method: clinical testing. Allele origin: germline.
Comment: The p.A42P variant (also known as c.124G>C), located in coding exon 1 of the FBN1 gene, results from a G to C substitution at nucleotide position 124. The alanine at codon 42 is replaced by proline, an amino acid with highly similar properties. This alteration has been reported in a database of subjects with features of Marfan syndrome (Groth KA et al. Genet Med, 2017 Jul;19:772-777). This amino acid position is highly conserved in available vertebrate species. In addition, the in silico prediction for this alteration is inconclusive. Since supporting evidence is limited at this time, the clinical significance of this alteration remains unclear.

GeneDx
Classification: Uncertain significance. Last evaluated: 2025-04-07. Review status: criteria provided, single submitter. Criteria: GeneDx Variant Classification Process June 2021. Collection method: clinical testing. Allele origin: germline. Affected: yes.
Comment: In silico analysis supports that this missense variant has a deleterious effect on protein structure/function; This variant is associated with the following publications: (PMID: 27906200, 12938084)

Color Diagnostics, LLC DBA Color Health
Classification: Likely benign for Familial thoracic aortic aneurysm and aortic dissection. Last evaluated: 2025-01-20. Review status: criteria provided, single submitter. Criteria: ACMG Guidelines, 2015. Collection method: clinical testing. Allele origin: germline.

All of Us Research Program, National Institutes of Health
Classification: Uncertain significance for Marfan syndrome. Last evaluated: 2024-09-23. Review status: criteria provided, single submitter. Criteria: ACMG Guidelines, 2015. Collection method: clinical testing. Allele origin: germline. Inheritance: Autosomal dominant inheritance. Observed: 14 variant alleles, 14 heterozygotes.
Comment: This missense variant replaces alanine with proline at codon 42 of the FBN1 protein. Computational prediction suggests that this variant may not impact protein structure and function (internally defined REVEL score threshold <= 0.5, PMID: 27666373). To our knowledge, functional studies have not been reported for this variant. This variant has not been reported in individuals affected with cardiovascular disorders in the literature. This variant has been identified in 15/282810 chromosomes in the general population by the Genome Aggregation Database (gnomAD). The available evidence is insufficient to determine the role of this variant in disease conclusively. Therefore, this variant is classified as a Variant of Uncertain Significance.

This study involves interpretation of variants in research participants for the purpose of population health screening. Participant phenotype was not available at the time of variant classification. Additional details can be found in publication PMID: 35346344, PMCID: PMC8962531

CHEO Genetics Diagnostic Laboratory, Children's Hospital of Eastern Ontario
Classification: Uncertain significance for Familial thoracic aortic aneurysm and aortic dissection. Last evaluated: 2019-01-22. Review status: criteria provided, single submitter. Criteria: ACMG Guidelines, 2015. Collection method: clinical testing. Allele origin: germline.

Eurofins Ntd Llc (ga)
Classification: Uncertain significance. Last evaluated: 2017-10-04. Review status: criteria provided, single submitter. Criteria: EGL Classification Definitions 2015. Collection method: clinical testing. Allele origin: germline. Observed: 1 variant allele, 1 heterozygote.

Literature cited by the submitters: PubMed 27906200 (cited by Women's Health and Genetics/Laboratory Corporation of America, LabCorp and Ambry Genetics); PubMed 31211624 (cited by Women's Health and Genetics/Laboratory Corporation of America, LabCorp).

NM_000138.5(FBN1):c.124G>C (p.Ala42Pro)

Gene: FBN1 (fibrillin 1; minus strand). Cytogenetic location: 15q21.1.
Variant type: single nucleotide variant.
Coding change: c.124G>C on transcript NM_000138.5 (MANE Select); coding-DNA position 124, G replaced by C.
Protein change: p.Ala42Pro; replaces alanine 42 with proline.
Molecular consequence: missense variant.
Genome position (GRCh38, 1-based): chr15:48,644,646, C>G on the plus strand (G>C on the coding strand, the complement: FBN1 is on the minus strand). VCF-style: chr15-48644646-C-G. GRCh37 (hg19) VCF-style: chr15-48936843-C-G.
Other names: short protein forms A42P.
Identifiers: ClinVar variation 406316 (VCV000406316.34), dbSNP rs377722423, ClinGen allele CA044063.